The following is an entry in ClinVar:

ClinVar aggregate classification (germline): Conflicting classifications of pathogenicity. Review status: criteria provided, conflicting classifications (1 of 4 stars). 3 submissions from 3 submitters: Uncertain significance (2); Likely benign (1). Last evaluated 2025-11-04.

Conditions:
Hereditary cancer-predisposing syndrome. Also called: Tumor predisposition; Hereditary neoplastic syndrome; Neoplastic Syndromes, Hereditary; Hereditary Cancer Syndrome. Identifiers: Orphanet 140162, MedGen C0027672, MeSH D009386, MONDO:0015356.
Hereditary breast ovarian cancer syndrome. Also called: Hereditary breast and ovarian cancer; Hereditary breast and ovarian cancer syndrome; Hereditary breast and/or ovarian cancer syndrome; Hereditary breast and ovarian cancer syndrome (HBOC); Breast and ovarian cancer; BRCA1- and BRCA2-Associated Hereditary Breast and Ovarian Cancer. Identifiers: Orphanet 145, MedGen C0677776, MeSH D061325, MONDO:0003582. Disease mechanism: loss of function.

Submissions (3):

Labcorp Genetics (formerly Invitae), Labcorp
Classification: Uncertain significance for Hereditary breast ovarian cancer syndrome. Last evaluated: 2025-11-04. Review status: criteria provided, single submitter. Criteria: Invitae Variant Classification Sherloc (09022015). Collection method: clinical testing. Allele origin: germline.
Comment: This sequence change replaces proline, which is neutral and non-polar, with leucine, which is neutral and non-polar, at codon 436 of the BRCA1 protein (p.Pro436Leu). This variant is not present in population databases (gnomAD no frequency). This variant has not been reported in the literature in individuals affected with BRCA1-related conditions. ClinVar contains an entry for this variant (Variation ID: 1492634). Invitae Evidence Modeling of protein sequence and biophysical properties (such as structural, functional, and spatial information, amino acid conservation, physicochemical variation, residue mobility, and thermodynamic stability) indicates that this missense variant is not expected to disrupt BRCA1 protein function with a negative predictive value of 80%. In summary, the available evidence is currently insufficient to determine the role of this variant in disease. Therefore, it has been classified as a Variant of Uncertain Significance.

Women's Health and Genetics/Laboratory Corporation of America, LabCorp
Classification: Uncertain significance. Last evaluated: 2023-12-07. Review status: criteria provided, single submitter. Criteria: LabCorp Variant Classification Summary - May 2015. Collection method: clinical testing. Allele origin: germline.

University of Washington Department of Laboratory Medicine, University of Washington
Classification: Likely benign for Hereditary cancer-predisposing syndrome. Last evaluated: 2023-03-23. Review status: criteria provided, single submitter. Criteria: Dines et al. (Genet Med. 2020). Collection method: curation. Allele origin: germline.
Comment: Missense variant in a coldspot region where missense variants are very unlikely to be pathogenic (PMID:31911673).

BRCA1 coldspot (exon 11 using historical exon numbering). Reclassification based on statistical prior probability

NM_007294.4(BRCA1):c.1307C>T (p.Pro436Leu)

Gene: BRCA1 (BRCA1 DNA repair associated; minus strand). Cytogenetic location: 17q21.31.
Variant type: single nucleotide variant.
Coding change: c.1307C>T on transcript NM_007294.4 (MANE Select); coding-DNA position 1307, C replaced by T.
Protein change: p.Pro436Leu; replaces proline 436 with leucine.
Molecular consequence: missense variant. On other transcripts: intron variant (137).
Genome position (GRCh38, 1-based): chr17:43,094,224, G>A on the plus strand (C>T on the coding strand, the complement: BRCA1 is on the minus strand). VCF-style: chr17-43094224-G-A. GRCh37 (hg19) VCF-style: chr17-41246241-G-A.
Other names: c.1094C>T, p.Pro365Leu (NM_001407571.1, NM_001407853.1, NM_001407894.1 and 9 more transcripts); c.1307C>T, p.Pro436Leu (NM_001407581.1, NM_001407582.1, NM_001407583.1 and 30 more transcripts); c.1304C>T, p.Pro435Leu (NM_001407587.1, NM_001407590.1, NM_001407591.1 and 22 more transcripts); c.1298C>T, p.Pro433Leu (NM_001407646.1, NM_001407647.1); c.1184C>T, p.Pro395Leu (NM_001407648.1, NM_001407664.1, NM_001407665.1 and 19 more transcripts); c.1181C>T, p.Pro394Leu (NM_001407649.1, NM_001407670.1, NM_001407671.1 and 11 more transcripts); c.1229C>T, p.Pro410Leu (NM_001407653.1, NM_001407654.1, NM_001407655.1 and 4 more transcripts); c.1226C>T, p.Pro409Leu (NM_001407659.1, NM_001407660.1, NM_001407661.1 and 1 more transcripts); and 40 more; short protein forms P436L, P389L, P324L, P365L, P366L, P368L, P435L, P268L.
Identifiers: ClinVar variation 1492634 (VCV001492634.10), dbSNP rs2154459839, ClinGen allele CA10599436.
Genomic context (GRCh38, chr17:43,094,224, plus strand): 5'-ATATTACTCTCTACTGATTTGGAGTGAACTCTTTCACTTTTACATATTAAAGCCTCATGA[G>A]GATCACTGGCCAGTAAGTCTATTTTCTCTGAAGAACCAGAATATTCATCTACCTCATTTA-3'
Protein context (NP_009225.1, residues 426-446): SEKIDLLASD[Pro436Leu]HEALICKSER